The following is an entry in ClinVar:

NM_007254.4(PNKP):c.1156C>T (p.Leu386Phe)

Gene: PNKP (polynucleotide kinase 3'-phosphatase; minus strand). Cytogenetic location: 19q13.33.
Variant type: single nucleotide variant.
Coding change: c.1156C>T on transcript NM_007254.4 (MANE Select); coding-DNA position 1156, C replaced by T.
Protein change: p.Leu386Phe; replaces leucine 386 with phenylalanine.
Molecular consequence: missense variant.
Genome position (GRCh38, 1-based): chr19:49,862,076, G>A on the plus strand (C>T on the coding strand, the complement: PNKP is on the minus strand). VCF-style: chr19-49862076-G-A. GRCh37 (hg19) VCF-style: chr19-50365333-G-A.
Other names: short protein forms L386F.
Identifiers: ClinVar variation 588240 (VCV000588240.5), dbSNP rs1568659595, ClinGen allele CA406878911.

ClinVar aggregate classification (germline): Uncertain significance (1 of 4 stars; one submission).

Conditions:
Inborn genetic diseases. Identifiers: MedGen C0950123, MeSH D030342.

Allele frequency attached by ClinVar (database versions not stated): gnomAD exomes below 0.00001.

Submission:

Ambry Genetics
Classification: Uncertain significance for Inborn genetic diseases. Last evaluated: 2016-09-07. Review status: criteria provided, single submitter. Criteria: Ambry Variant Classification Scheme 2023. Collection method: clinical testing. Allele origin: germline.
Comment: The p.L386F variant (also known as c.1156C>T), located in coding exon 12 of the PNKP gene, results from a C to T substitution at nucleotide position 1156. The leucine at codon 386 is replaced by phenylalanine, an amino acid with highly similar properties. This variant was not reported in population based cohorts in the following databases: Database of Single Nucleotide Polymorphisms (dbSNP), NHLBI Exome Sequencing Project (ESP), and 1000 Genomes Project. In the ESP, this variant was not observed in 6503 samples (13006 alleles) with coverage at this position. This amino acid position is not well conserved in available vertebrate species. In addition, this alteration is predicted to be tolerated by in silico analysis. Since supporting evidence is limited at this time, the clinical significance of this variant remains unclear.